The following is an entry in ClinVar:

NM_000038.6(APC):c.4181A>G (p.Asp1394Gly)

Gene: APC (APC regulator of Wnt signaling pathway; plus strand). Cytogenetic location: 5q22.2.
Variant type: single nucleotide variant.
Coding change: c.4181A>G on transcript NM_000038.6 (MANE Select); coding-DNA position 4181, A replaced by G.
Protein change: p.Asp1394Gly; replaces aspartic acid 1394 with glycine.
Molecular consequence: missense variant.
Genome position (GRCh38, 1-based): chr5:112,839,775, A>G. VCF-style: chr5-112839775-A-G. GRCh37 (hg19) VCF-style: chr5-112175472-A-G.
Other names: c.4181A>G, p.Asp1394Gly (NM_001127510.3, NM_001354895.2); c.4127A>G, p.Asp1376Gly (NM_001127511.3); c.4235A>G, p.Asp1412Gly (NM_001354896.2); c.4211A>G, p.Asp1404Gly (NM_001354897.2); c.4106A>G, p.Asp1369Gly (NM_001354898.2); c.4097A>G, p.Asp1366Gly (NM_001354899.2); c.4058A>G, p.Asp1353Gly (NM_001354900.2); c.4004A>G, p.Asp1335Gly (NM_001354901.2); and 5 more; short protein forms D1234G, D1369G, D1111G, D1268G, D1303G, D1404G, D1412G, D1335G.
Identifiers: ClinVar variation 655358 (VCV000655358.19), dbSNP rs1580645012, ClinGen allele CA16030491.

ClinVar aggregate classification (germline): Uncertain significance. Review status: criteria provided, multiple submitters, no conflicts (2 of 4 stars). 4 submissions from 4 submitters: Uncertain significance (4). Last evaluated 2024-10-10.

Conditions:
Hereditary cancer-predisposing syndrome. Also called: Hereditary neoplastic syndrome; Tumor predisposition; Neoplastic Syndromes, Hereditary; Hereditary Cancer Syndrome. Identifiers: Orphanet 140162, MedGen C0027672, MeSH D009386, MONDO:0015356.
Familial adenomatous polyposis 1 (FAP1). Also called: FAMILIAL ADENOMATOUS POLYPOSIS 1, ATTENUATED; POLYPOSIS, ADENOMATOUS INTESTINAL. Identifiers: MedGen C2713442, MONDO:0021056, OMIM 175100. Disease mechanism: loss of function.

Allele frequency attached by ClinVar (database versions not stated): gnomAD exomes below 0.00001.
gnomAD v4.1: 1 of 1,614,098 alleles (0.000062%); highest among the groups gnomAD compares: African/African-American, 0.0013%; no homozygotes.

Submissions (4):

Labcorp Genetics (formerly Invitae), Labcorp
Classification: Uncertain significance for Familial adenomatous polyposis 1. Last evaluated: 2024-10-10. Review status: criteria provided, single submitter. Criteria: Invitae Variant Classification Sherloc (09022015). Collection method: clinical testing. Allele origin: germline.
Comment: This sequence change replaces aspartic acid, which is acidic and polar, with glycine, which is neutral and non-polar, at codon 1394 of the APC protein (p.Asp1394Gly). This variant is not present in population databases (gnomAD no frequency). This variant has not been reported in the literature in individuals affected with APC-related conditions. ClinVar contains an entry for this variant (Variation ID: 655358). Invitae Evidence Modeling of protein sequence and biophysical properties (such as structural, functional, and spatial information, amino acid conservation, physicochemical variation, residue mobility, and thermodynamic stability) indicates that this missense variant is not expected to disrupt APC protein function with a negative predictive value of 95%. In summary, the available evidence is currently insufficient to determine the role of this variant in disease. Therefore, it has been classified as a Variant of Uncertain Significance.

Ambry Genetics
Classification: Uncertain significance for Hereditary cancer-predisposing syndrome. Last evaluated: 2024-03-07. Review status: criteria provided, single submitter. Criteria: Ambry Variant Classification Scheme 2023. Collection method: clinical testing. Allele origin: germline.
Comment: The p.D1394G variant (also known as c.4181A>G), located in coding exon 15 of the APC gene, results from an A to G substitution at nucleotide position 4181. The aspartic acid at codon 1394 is replaced by glycine, an amino acid with similar properties. This amino acid position is conserved. In addition, in silico predictors for this gene do not accurately predict pathogenicity. Based on the available evidence, the clinical significance of this alteration remains unclear.

Color Diagnostics, LLC DBA Color Health
Classification: Uncertain significance for Hereditary cancer-predisposing syndrome. Last evaluated: 2023-12-05. Review status: criteria provided, single submitter. Criteria: ACMG Guidelines, 2015. Collection method: clinical testing. Allele origin: germline.
Comment: This missense variant replaces aspartic acid with glycine at codon 1394 of the APC protein. Computational prediction suggests that this variant may not impact protein structure and function (internally defined REVEL score threshold <= 0.5, PMID: 27666373). To our knowledge, functional studies have not been reported for this variant. This variant has not been reported in individuals affected with APC-related disorders in the literature. This variant has not been identified in the general population by the Genome Aggregation Database (gnomAD). The available evidence is insufficient to determine the role of this variant in disease conclusively. Therefore, this variant is classified as a Variant of Uncertain Significance.

GeneDx
Classification: Uncertain significance. Last evaluated: 2020-01-27. Review status: criteria provided, single submitter. Criteria: GeneDx Variant Classification Process June 2021. Collection method: clinical testing. Allele origin: germline. Affected: yes.
Comment: Not observed in large population cohorts (Lek 2016); In silico analysis, which includes protein predictors and evolutionary conservation, supports that this variant does not alter protein structure/function; Has not been previously published as pathogenic or benign to our knowledge